The following is an entry in ClinVar:

NM_057176.3(BSND):c.923C>T (p.Pro308Leu)

Gene: BSND (barttin CLCNK type accessory subunit beta; plus strand). Cytogenetic location: 1p32.3.
Variant type: single nucleotide variant.
Coding change: c.923C>T on transcript NM_057176.3 (MANE Select); coding-DNA position 923, C replaced by T.
Protein change: p.Pro308Leu; replaces proline 308 with leucine.
Molecular consequence: missense variant.
Genome position (GRCh38, 1-based): chr1:55,008,588, C>T. VCF-style: chr1-55008588-C-T. GRCh37 (hg19) VCF-style: chr1-55474261-C-T.
Other names: short protein forms P308L.
Identifiers: ClinVar variation 1706717 (VCV001706717.4), dbSNP rs201583148, ClinGen allele CA871448.
Genomic context (GRCh38, chr1:55,008,588, plus strand): 5'-CTGAGAAGGAAGAGGAAGACCTGTACTATGGGCTGCCAGATGGAGCCGGGGACCTCCTCC[C>T]GGACAAGGAGCTGGGTTTTGAGCCTGACACCCAAGGCTGAGATGTTTGTGCTCCGTAGCT-3'
Protein context (NP_476517.1, residues 298-318): GLPDGAGDLL[Pro308Leu]DKELGFEPDT

ClinVar aggregate classification (germline): Uncertain significance. Review status: criteria provided, multiple submitters, no conflicts (2 of 4 stars). 3 submissions from 3 submitters: Uncertain significance (3). Last evaluated 2025-08-02.

Conditions:
Inborn genetic diseases. Identifiers: MedGen C0950123, MeSH D030342.

Allele frequency attached by ClinVar (database versions not stated): ExAC 0.00003; TOPMed 0.00008; gnomAD 0.00010; ESP Exome Variant Server 0.00023; 1000 Genomes Project 30x 0.00031; 1000 Genomes Project 0.00040.
gnomAD v4.1: 45 of 1,614,142 alleles (0.0028%); highest among the groups gnomAD compares: African/African-American, 0.025%; no homozygotes.

Submissions (3):

Ambry Genetics
Classification: Uncertain significance for Inborn genetic diseases. Last evaluated: 2025-08-02. Review status: criteria provided, single submitter. Criteria: Ambry Variant Classification Scheme 2023. Collection method: clinical testing. Allele origin: germline.

GeneDx
Classification: Uncertain significance. Last evaluated: 2022-03-24. Review status: criteria provided, single submitter. Criteria: GeneDx Variant Classification Process June 2021. Collection method: clinical testing. Allele origin: germline. Affected: yes.
Comment: In silico analysis supports that this missense variant has a deleterious effect on protein structure/function; Has not been previously published as pathogenic or benign to our knowledge

Labcorp Genetics (formerly Invitae), Labcorp
Classification: Uncertain significance. Last evaluated: 2022-02-17. Review status: criteria provided, single submitter. Criteria: Invitae Variant Classification Sherloc (09022015). Collection method: clinical testing. Allele origin: germline.
Comment: This sequence change replaces proline, which is neutral and non-polar, with leucine, which is neutral and non-polar, at codon 308 of the BSND protein (p.Pro308Leu). This variant is present in population databases (rs201583148, gnomAD 0.02%). This variant has not been reported in the literature in individuals affected with BSND-related conditions. Algorithms developed to predict the effect of missense changes on protein structure and function are either unavailable or do not agree on the potential impact of this missense change (SIFT: "Tolerated"; PolyPhen-2: "Probably Damaging"; Align-GVGD: "Class C0"). In summary, the available evidence is currently insufficient to determine the role of this variant in disease. Therefore, it has been classified as a Variant of Uncertain Significance.